The following is an entry in ClinVar:

ClinVar aggregate classification (germline): Uncertain significance (1 of 4 stars; one submission).

Conditions:
Inborn genetic diseases. Identifiers: MedGen C0950123, MeSH D030342.

gnomAD v4.1: 2 of 1,613,550 alleles (0.00012%); highest among the groups gnomAD compares: South Asian, 0.0022%; no homozygotes.

Submission:

Ambry Genetics
Classification: Uncertain significance for Inborn genetic diseases. Last evaluated: 2026-05-23. Review status: criteria provided, single submitter. Criteria: Ambry Variant Classification Scheme 2023. Collection method: clinical testing. Allele origin: germline.
Comment: The p.L1087F variant (also known as c.3261A>T), located in coding exon 15 of the MECOM gene, results from an A to T substitution at nucleotide position 3261. The leucine at codon 1087 is replaced by phenylalanine, an amino acid with highly similar properties. This amino acid position is conserved. In addition, this alteration is predicted to be tolerated by in silico analysis. Based on the available evidence, the clinical significance of this variant remains unclear.

NM_004991.4(MECOM):c.3261A>T (p.Leu1087Phe)

Gene: MECOM (MDS1 and EVI1 complex locus; minus strand). Cytogenetic location: 3q26.2.
Variant type: single nucleotide variant.
Coding change: c.3261A>T on transcript NM_004991.4 (MANE Select); coding-DNA position 3261, A replaced by T.
Protein change: p.Leu1087Phe; replaces leucine 1087 with phenylalanine.
Molecular consequence: missense variant.
Genome position (GRCh38, 1-based): chr3:169,090,140, T>A on the plus strand (A>T on the coding strand, the complement: MECOM is on the minus strand). VCF-style: chr3-169090140-T-A. GRCh37 (hg19) VCF-style: chr3-168807928-T-A.
Other names: c.2892A>T, p.Leu964Phe (NM_001105077.4); c.2697A>T, p.Leu899Phe (NM_001105078.4, NM_001205194.2, NM_001366469.2 and 1 more transcripts); c.2673A>T, p.Leu891Phe (NM_001163999.2, NM_001366470.2); c.2670A>T, p.Leu890Phe (NM_001164000.2, NM_001366471.2, NM_001366472.2); c.3234A>T, p.Leu1078Phe (NM_001366466.2); c.2700A>T, p.Leu900Phe (NM_001366467.2, NM_001366468.2); c.2262A>T, p.Leu754Phe (NM_001366473.2); c.1698A>T, p.Leu566Phe (NM_001366474.2); short protein forms L754F, L891F, L899F, L900F, L1078F, L964F, L566F, L890F.
Identifiers: ClinVar variation 3871906 (VCV003871906.2).